The following is an entry in ClinVar:

NM_000256.3(MYBPC3):c.840_851+5del

Gene: MYBPC3 (myosin binding protein C3; minus strand). Cytogenetic location: 11p11.2.
Variant type: Deletion.
Coding change: c.840_851+5del on transcript NM_000256.3 (MANE Select); coding-DNA position 840 through 5 bases into the intron after coding-DNA position 851, 17 bases deleted (TCGGCGGATCAGGTACC).
Molecular consequence: splice donor variant.
Genome position (GRCh38, 1-based): chr11:47,347,646-47,347,662, GGTACCTGATCCGCCGA deleted on the plus strand (TCGGCGGATCAGGTACC on the coding strand, the reverse complement: MYBPC3 is on the minus strand). VCF-style (leftmost placement, unchanged base first): chr11-47347645-GGGTACCTGATCCGCCGA-G. GRCh37 (hg19) VCF-style: chr11-47369196-GGGTACCTGATCCGCCGA-G.
Identifiers: ClinVar variation 3387141 (VCV003387141.4).
Genomic context (GRCh38, chr11:47,347,645, plus strand): 5'-GCTCCCACCCGTCTCAGACCCCTGGGGGTCTGCGGATGGTGCAGGTAGGGCCTGGGGCAG[GGGTACCTGATCCGCCGA>G]CCACCTCCAGCCAGGCTCCTGTGGGGGTTAGACTCAGTATCCTCACCTGCCTGGGAAGCT-3'

ClinVar aggregate classification (germline): Conflicting classifications of pathogenicity. Review status: criteria provided, conflicting classifications (1 of 4 stars). 3 submissions from 3 submitters: Likely pathogenic (2); Uncertain significance (1). Last evaluated 2024-08-29.

Conditions:
Cardiomyopathy (CMYO). Also called: Cardiomyopathies. Identifiers: Orphanet 167848, MedGen C0878544, MONDO:0004994, HP:0001638. Inheritance: Various modes of inheritance.
Hypertrophic cardiomyopathy. Also called: HYPERTROPHIC MYOCARDIOPATHY. Identifiers: Orphanet 217569, MedGen C0007194, MeSH D002312, MONDO:0005045, HP:0001639.

Submissions (3):

Labcorp Genetics (formerly Invitae), Labcorp
Classification: Likely pathogenic for Hypertrophic cardiomyopathy. Last evaluated: 2024-08-29. Review status: criteria provided, single submitter. Criteria: Invitae Variant Classification Sherloc (09022015). Collection method: clinical testing. Allele origin: germline.
Comment: This variant results in the deletion of part of exon 8 (c.840_851+5del) of the MYBPC3 gene. It is expected to disrupt RNA splicing. Variants that disrupt the donor or acceptor splice site typically lead to a loss of protein function (PMID: 16199547), and loss-of-function variants in MYBPC3 are known to be pathogenic (PMID: 19574547). This variant is not present in population databases (gnomAD no frequency). This variant has been observed in individual(s) with hypertrophic cardiomyopathy (PMID: 32841044, 37652022). This variant disrupts a region of the MYBPC3 protein in which other variant(s) (p.Arg282Trp) have been observed in individuals with MYBPC3-related conditions (PMID: 11499719). This suggests that this is a clinically significant region of the protein, and that variants that disrupt it are likely to be disease-causing. In summary, the currently available evidence indicates that the variant is pathogenic, but additional data are needed to prove that conclusively. Therefore, this variant has been classified as Likely Pathogenic.

Color Diagnostics, LLC DBA Color Health
Classification: Uncertain significance for Cardiomyopathy. Last evaluated: 2024-01-16. Review status: criteria provided, single submitter. Criteria: ACMG Guidelines, 2015. Collection method: clinical testing. Allele origin: germline.
Comment: This variant deletes 17 nucleotides in exon 7 and intron 8 of the MYBPC3 gene, abolishing the intron 8 canonical splice donor site. Splice site prediction tools predict that this variant may have a significant impact on RNA splicing. This variant is likely to cause an in-frame skipping of exon 8 (30 bp-long; amino acids 274-284). To date, no pathogenic missense variants have been reported in this exon (ClinVar). To our knowledge, functional studies have not been reported for this variant. This variant has been reported in one individual affected with hypertrophic cardiomyopathy (PMID: 32841044). This variant has not been identified in the general population by the Genome Aggregation Database (gnomAD). Although there is a suspicion that this variant may be associated with disease, additional studies are necessary to determine the role of this variant in disease conclusively. Therefore, this variant is classified as a Variant of Uncertain Significance.

All of Us Research Program, National Institutes of Health
Classification: Likely pathogenic for Hypertrophic cardiomyopathy. Last evaluated: 2023-11-16. Review status: criteria provided, single submitter. Criteria: ACMG Guidelines, 2015. Collection method: clinical testing. Allele origin: germline. Inheritance: Autosomal dominant inheritance. Observed: 1 variant allele, 1 heterozygote.
Comment: The c.840_851+5del variant of the MYBPC3 gene disrupts the splicing donor site in intron 8 and is expected to alter RNA splicing, leading to a disrupted or truncated protein product. Loss-of-function variants in MYBPC3 are known to be pathogenic (PMID: 19574547). This variant is absent in the general population by the gnomAD database. Based on these evidence, the c.840_851+5del variant of the MYBPC3 gene is classified as likely pathogenic.

This study involves interpretation of variants in research participants for the purpose of population health screening. Participant phenotype was not available at the time of variant classification. Additional details can be found in publication PMID: 35346344, PMCID: PMC8962531

Literature cited by the submitters: PubMed 16199547 (cited by Labcorp Genetics (formerly Invitae), Labcorp); PubMed 19574547 (cited by Labcorp Genetics (formerly Invitae), Labcorp and All of Us Research Program, National Institutes of Health); PubMed 32841044 (cited by Labcorp Genetics (formerly Invitae), Labcorp and Color Diagnostics, LLC DBA Color Health); PubMed 37652022 (cited by Labcorp Genetics (formerly Invitae), Labcorp); PubMed 11499719 (cited by Labcorp Genetics (formerly Invitae), Labcorp).